The following is an entry in ClinVar:

NM_174916.3(UBR1):c.3225T>G (p.Ser1075Arg)

Gene: UBR1 (ubiquitin protein ligase E3 component n-recognin 1; minus strand). Cytogenetic location: 15q15.2.
Variant type: single nucleotide variant.
Coding change: c.3225T>G on transcript NM_174916.3 (MANE Select); coding-DNA position 3225, T replaced by G.
Protein change: p.Ser1075Arg; replaces serine 1075 with arginine.
Molecular consequence: missense variant.
Genome position (GRCh38, 1-based): chr15:43,007,269, A>C on the plus strand (T>G on the coding strand, the complement: UBR1 is on the minus strand). VCF-style: chr15-43007269-A-C. GRCh37 (hg19) VCF-style: chr15-43299467-A-C.
Other names: short protein forms S1075R.
Identifiers: ClinVar variation 3185749 (VCV003185749.13), dbSNP rs141543407, ClinGen allele CA7518204.

ClinVar aggregate classification (germline): Conflicting classifications of pathogenicity. Review status: criteria provided, conflicting classifications (1 of 4 stars). 3 submissions from 3 submitters: Uncertain significance (2); Likely benign (1). Last evaluated 2025-05-01.

Conditions:
Inborn genetic diseases. Identifiers: MedGen C0950123, MeSH D030342.

Allele frequency attached by ClinVar (database versions not stated): ESP Exome Variant Server 0.00008; gnomAD 0.00011; TOPMed 0.00012; ExAC 0.00014; gnomAD exomes 0.00022.
gnomAD v4.1: 338 of 1,614,040 alleles (0.021%); highest among the groups gnomAD compares: Non-Finnish European, 0.028%; no homozygotes.

Submissions (3):

CeGaT Center for Human Genetics Tuebingen
Classification: Likely benign. Last evaluated: 2025-05-01. Review status: criteria provided, single submitter. Criteria: CeGaT Center For Human Genetics Tuebingen Variant Classification Criteria Version 2. Collection method: clinical testing. Allele origin: germline. Affected: yes. Observed: 1 variant allele.
Comment: UBR1: BP4

Labcorp Genetics (formerly Invitae), Labcorp
Classification: Uncertain significance. Last evaluated: 2024-06-26. Review status: criteria provided, single submitter. Criteria: Invitae Variant Classification Sherloc (09022015). Collection method: clinical testing. Allele origin: germline.
Comment: This sequence change replaces serine, which is neutral and polar, with arginine, which is basic and polar, at codon 1075 of the UBR1 protein (p.Ser1075Arg). This variant is present in population databases (rs141543407, gnomAD 0.02%). This variant has not been reported in the literature in individuals affected with UBR1-related conditions. Advanced modeling of protein sequence and biophysical properties (such as structural, functional, and spatial information, amino acid conservation, physicochemical variation, residue mobility, and thermodynamic stability) performed at Invitae indicates that this missense variant is not expected to disrupt UBR1 protein function with a negative predictive value of 80%. In summary, the available evidence is currently insufficient to determine the role of this variant in disease. Therefore, it has been classified as a Variant of Uncertain Significance.

Ambry Genetics
Classification: Uncertain significance for Inborn genetic diseases. Last evaluated: 2021-06-11. Review status: criteria provided, single submitter. Criteria: Ambry Variant Classification Scheme 2023. Collection method: clinical testing. Allele origin: germline.